The following is an entry in ClinVar:

ClinVar aggregate classification (germline): Uncertain significance (1 of 4 stars; one submission).

Conditions:
Malignant hyperthermia, susceptibility to, 1 (MHS1). Also called: RYR1-Related Malignant Hyperthermia Susceptibility; Malignant hyperthermia suceptibility 1; Anesthesia related hyperthermia; Malignant hyperpyrexia; Fulminating hyperpyrexia; Pharmacogenic myopathy. Identifiers: Orphanet 423, MedGen C2930980, MONDO:0007783, OMIM 145600.

gnomAD v4.1: 3 of 1,613,916 alleles (0.00019%); highest among the groups gnomAD compares: Non-Finnish European, 0.00025%; no homozygotes.

Submission:

Color Diagnostics, LLC DBA Color Health
Classification: Uncertain significance for Malignant hyperthermia, susceptibility to, 1. Last evaluated: 2025-07-07. Review status: criteria provided, single submitter. Criteria: ACMG Guidelines, 2015. Collection method: clinical testing. Allele origin: germline.
Comment: This missense variant replaces glycine with alanine at codon 4935 of the RYR1 protein. Computational prediction suggests that this variant may have deleterious impact on protein structure and function. To our knowledge, functional studies have not been reported for this variant. This variant has not been reported in individuals affected with RYR1-related disorders in the literature. This variant has been identified in 1/31354 chromosomes in the general population by the Genome Aggregation Database (gnomAD). The available evidence is insufficient to determine the role of this variant in disease conclusively. Therefore, this variant is classified as a Variant of Uncertain Significance.

NM_000540.3(RYR1):c.14804G>C (p.Gly4935Ala)

Gene: RYR1 (ryanodine receptor 1; plus strand). Cytogenetic location: 19q13.2.
Variant type: single nucleotide variant.
Coding change: c.14804G>C on transcript NM_000540.3 (MANE Select); coding-DNA position 14804, G replaced by C.
Protein change: p.Gly4935Ala; replaces glycine 4935 with alanine.
Molecular consequence: missense variant.
Genome position (GRCh38, 1-based): chr19:38,585,938, G>C. VCF-style: chr19-38585938-G-C. GRCh37 (hg19) VCF-style: chr19-39076578-G-C.
Other names: c.14789G>C, p.Gly4930Ala (NM_001042723.2); short protein forms G4930A, G4935A.
Identifiers: ClinVar variation 4757377 (VCV004757377.1).